The following is an entry in ClinVar:

NM_003476.5(CSRP3):c.174C>T (p.Cys58=)

Gene: CSRP3 (cysteine and glycine rich protein 3; minus strand). Cytogenetic location: 11p15.1.
Variant type: single nucleotide variant.
Coding change: c.174C>T on transcript NM_003476.5 (MANE Select); coding-DNA position 174, C replaced by T.
Protein change: p.Cys58=; no amino-acid change (cysteine 58 retained).
Molecular consequence: synonymous variant. On other transcripts: intron variant (1).
Genome position (GRCh38, 1-based): chr11:19,188,243, G>A on the plus strand (C>T on the coding strand, the complement: CSRP3 is on the minus strand). VCF-style: chr11-19188243-G-A. GRCh37 (hg19) VCF-style: chr11-19209790-G-A.
Other names: c.174C>T (LRG_440t1); c.113-1895C>T (NM_001369404.1).
Identifiers: ClinVar variation 381101 (VCV000381101.10), dbSNP rs1057520959, ClinGen allele CA16606293.

ClinVar aggregate classification (germline): Likely benign. Review status: criteria provided, multiple submitters, no conflicts (2 of 4 stars). 2 submissions from 2 submitters: Likely benign (2). Last evaluated 2024-09-03.

Conditions:
Hypertrophic cardiomyopathy 12. Identifiers: MedGen C2677491, MONDO:0012804, OMIM 612124.
Dilated cardiomyopathy 1M (CMD1M). Identifiers: Orphanet 154, MedGen C1843808, MONDO:0011840, OMIM 607482.

Allele frequency attached by ClinVar (database versions not stated): gnomAD exomes below 0.00001.
gnomAD v4.1: 1 of 1,613,390 alleles (0.000062%); highest among the groups gnomAD compares: South Asian, 0.0011%; no homozygotes.

Submissions (2):

Labcorp Genetics (formerly Invitae), Labcorp
Classification: Likely benign for Hypertrophic cardiomyopathy 12; Dilated cardiomyopathy 1M. Last evaluated: 2024-09-03. Review status: criteria provided, single submitter. Criteria: Invitae Variant Classification Sherloc (09022015). Collection method: clinical testing. Allele origin: germline.

GeneDx
Classification: Likely benign. Last evaluated: 2015-10-28. Review status: criteria provided, single submitter. Criteria: GeneDx Variant Classification (06012015). Collection method: clinical testing. Allele origin: germline. Affected: yes.
Comment: This variant is considered likely benign or benign based on one or more of the following criteria: it is a conservative change, it occurs at a poorly conserved position in the protein, it is predicted to be benign by multiple in silico algorithms, and/or has population frequency not consistent with disease.